The following is an entry in ClinVar:

NM_000158.4(GBE1):c.314-13_314-11del

Gene: GBE1 (1,4-alpha-glucan branching enzyme 1; minus strand). Cytogenetic location: 3p12.2.
Variant type: Microsatellite.
Coding change: c.314-13_314-11del on transcript NM_000158.4 (MANE Select); 13 bases into the intron before coding-DNA position 314 through 11 bases into the intron before coding-DNA position 314, 3 bases deleted (TTC; older notation c.314-13_314-11delTTC).
Molecular consequence: intron variant.
Genome position (GRCh38, 1-based): chr3:81,670,964-81,670,966, GAA deleted on the plus strand (TTC on the coding strand, the reverse complement: GBE1 is on the minus strand); deleting any 3 consecutive bases within chr3:81,670,964-81,670,971 gives the same sequence; the c. name uses the placement nearest the transcript's 3' end. VCF-style (leftmost placement, unchanged base first): chr3-81670963-TGAA-T. GRCh37 (hg19) VCF-style: chr3-81720114-TGAA-T.
Other names: c.314-13_314-11delTTC (NM_000158.4).
Identifiers: ClinVar variation 2050554 (VCV002050554.5), dbSNP rs750647412, ClinGen allele CA2500004.

ClinVar aggregate classification (germline): Likely benign. Review status: criteria provided, multiple submitters, no conflicts (2 of 4 stars). 2 submissions from 2 submitters: Likely benign (2). Last evaluated 2025-08-26.

Conditions:
Glycogen storage disease IV, classic hepatic. Also called: GSD IV, CLASSIC HEPATIC. Identifiers: MedGen C1856301.
Glycogen storage disease, type IV (GSD4). Also called: CIRRHOSIS, FAMILIAL, WITH DEPOSITION OF ABNORMAL GLYCOGEN; GBE1 DEFICIENCY; GLYCOGEN BRANCHING ENZYME DEFICIENCY; GLYCOGENOSIS IV; GSD IV; Glycogen storage disease due to glycogen branching enzyme deficiency. Identifiers: Orphanet 367, MedGen C0017923, MONDO:0009292, OMIM 232500.

Submissions (2):

Labcorp Genetics (formerly Invitae), Labcorp
Classification: Likely benign for Glycogen storage disease, type IV; Glycogen storage disease IV, classic hepatic. Last evaluated: 2025-08-26. Review status: criteria provided, single submitter. Criteria: Invitae Variant Classification Sherloc (09022015). Collection method: clinical testing. Allele origin: germline.

Women's Health and Genetics/Laboratory Corporation of America, LabCorp
Classification: Likely benign. Last evaluated: 2024-01-18. Review status: criteria provided, single submitter. Criteria: LabCorp Variant Classification Summary - May 2015. Collection method: clinical testing. Allele origin: germline.
Comment: Variant summary: GBE1 c.314-13_314-11delTTC alters three nucleotides located at a position not widely known to affect splicing. Consensus agreement among computation tools predict no significant impact on normal splicing. However, these predictions have yet to be confirmed by functional studies. The variant allele was found at a frequency of 7.8e-05 in 153760 control chromosomes, predominantly at a frequency of 0.00058 within the Latino subpopulation in the gnomAD database. To our knowledge, no occurrence of c.314-13_314-11delTTC in individuals affected with GBE1-Related Disorders and no experimental evidence demonstrating its impact on protein function have been reported. ClinVar contains an entry for this variant (Variation ID: 2050554). Based on the evidence outlined above, the variant was classified as likely benign.